The following is an entry in ClinVar:

NM_016239.4(MYO15A):c.5962G>A (p.Glu1988Lys)

Gene: MYO15A (myosin XVA; plus strand). Cytogenetic location: 17p11.2.
Variant type: single nucleotide variant.
Coding change: c.5962G>A on transcript NM_016239.4 (MANE Select); coding-DNA position 5962, G replaced by A.
Protein change: p.Glu1988Lys; replaces glutamic acid 1988 with lysine.
Molecular consequence: missense variant.
Genome position (GRCh38, 1-based): chr17:18,143,617, G>A. VCF-style: chr17-18143617-G-A. GRCh37 (hg19) VCF-style: chr17-18046931-G-A.
Other names: short protein forms E1988K.
Identifiers: ClinVar variation 432480 (VCV000432480.5), dbSNP rs749019041, ClinGen allele CA8424453.

ClinVar aggregate classification (germline): Uncertain significance. Review status: criteria provided, multiple submitters, no conflicts (2 of 4 stars). 2 submissions from 2 submitters: Uncertain significance (2). Last evaluated 2022-10-03.

Conditions:
Autosomal recessive nonsyndromic hearing loss 3. Also called: NEUROSENSORY NONSYNDROMIC RECESSIVE DEAFNESS 3. Identifiers: Orphanet 90636, MedGen C1838263, MONDO:0010860, OMIM 600316.

Allele frequency attached by ClinVar (database versions not stated): ExAC below 0.00001; gnomAD exomes below 0.00001 and 0.00002; TOPMed below 0.00001; gnomAD 0.00001.
gnomAD v4.1: 5 of 1,567,574 alleles (0.00032%); highest among the groups gnomAD compares: East Asian, 0.012%; no homozygotes.

Submissions (2):

GeneDx
Classification: Uncertain significance. Last evaluated: 2022-10-03. Review status: criteria provided, single submitter. Criteria: GeneDx Variant Classification Process June 2021. Collection method: clinical testing. Allele origin: germline. Affected: yes.
Comment: In silico analysis supports that this missense variant does not alter protein structure/function; Has not been previously published as pathogenic or benign to our knowledge

Baylor Genetics
Classification: Uncertain significance for Autosomal recessive nonsyndromic hearing loss 3. Last evaluated: 2018-09-28. Review status: criteria provided, single submitter. Criteria: ACMG Guidelines, 2015. Collection method: clinical testing. Allele origin: maternal. Affected: yes.
Comment: This variant was determined to be of uncertain significance according to ACMG Guidelines, 2015 [PMID:25741868].